The following is an entry in ClinVar:

NM_000466.3(PEX1):c.3409G>T (p.Glu1137Ter)

Genes: GATAD1 (GATA zinc finger domain containing 1; plus strand), PEX1 (peroxisomal biogenesis factor 1; minus strand). Cytogenetic location: 7q21.2.
Variant type: single nucleotide variant.
Coding change: c.3409G>T on transcript NM_000466.3 (MANE Select); coding-DNA position 3409, G replaced by T.
Protein change: p.Glu1137Ter; replaces glutamic acid 1137 with a stop codon.
Molecular consequence: nonsense.
Genome position (GRCh38, 1-based): chr7:92,491,301, C>A on the plus strand (G>T on the coding strand, the complement: PEX1 is on the minus strand). VCF-style: chr7-92491301-C-A. GRCh37 (hg19) VCF-style: chr7-92120615-C-A.
Other names: c.3238G>T, p.Glu1080Ter (NM_001282677.2); c.2785G>T, p.Glu929Ter (NM_001282678.2); c.3409G>T (NM_000466.2); short protein forms E1080*, E1137*, E929*.
Identifiers: ClinVar variation 2107210 (VCV002107210.5), dbSNP rs2484620768, ClinGen allele CA368163370.

ClinVar aggregate classification (germline): Pathogenic/Likely pathogenic. Review status: criteria provided, multiple submitters, no conflicts (2 of 4 stars). 2 submissions from 2 submitters: Pathogenic (1); Likely pathogenic (1). Last evaluated 2024-12-23.

Conditions:
Zellweger spectrum disorders (ZS). Also called: Zellweger Spectrum Disorder; Zellweger Spectrum; Zellweger Spectrum Disorder (ZSD); Zellweger syndrome. Identifiers: Orphanet 912, MedGen C0043459, MONDO:0019609.

Submissions (2):

Natera, Inc.
Classification: Likely pathogenic for Zellweger syndrome. Last evaluated: 2024-12-23. Review status: criteria provided, single submitter. Criteria: Natera Variant Classification Schema (03/2026). Collection method: clinical testing. Allele origin: germline.
Comment: The c.3409G>T variant in PEX1 is a nonsense variant predicted to introduce a stop codon at amino acid 1137. This variant is expected to result in nonsense mediated decay, truncation, or a dysfunctional protein product. This variant is rare in the general population with a frequency below the threshold expected for the associated phenotype(s). Given the available evidence, this variant is classified as Likely Pathogenic.

Labcorp Genetics (formerly Invitae), Labcorp
Classification: Pathogenic for Zellweger spectrum disorders. Last evaluated: 2022-10-18. Review status: criteria provided, single submitter. Criteria: Invitae Variant Classification Sherloc (09022015). Collection method: clinical testing. Allele origin: germline.
Comment: This sequence change creates a premature translational stop signal (p.Glu1137*) in the PEX1 gene. It is expected to result in an absent or disrupted protein product. Loss-of-function variants in PEX1 are known to be pathogenic (PMID: 9398847, 16086329, 16141001, 21031596, 26387595, 31831025). This variant is not present in population databases (gnomAD no frequency). This variant has not been reported in the literature in individuals affected with PEX1-related conditions. For these reasons, this variant has been classified as Pathogenic.

Literature cited by the submitters: PubMed 9398847 (cited by Labcorp Genetics (formerly Invitae), Labcorp); PubMed 16086329 (cited by Labcorp Genetics (formerly Invitae), Labcorp); PubMed 16141001 (cited by Labcorp Genetics (formerly Invitae), Labcorp); PubMed 21031596 (cited by Labcorp Genetics (formerly Invitae), Labcorp); PubMed 26387595 (cited by Labcorp Genetics (formerly Invitae), Labcorp); PubMed 31831025 (cited by Labcorp Genetics (formerly Invitae), Labcorp).